The following is an entry in ClinVar:

NM_001035.3(RYR2):c.5466C>T (p.Ile1822=)

Gene: RYR2 (ryanodine receptor 2; plus strand). Cytogenetic location: 1q43.
Variant type: single nucleotide variant.
Coding change: c.5466C>T on transcript NM_001035.3 (MANE Select); coding-DNA position 5466, C replaced by T.
Protein change: p.Ile1822=; no amino-acid change (isoleucine 1822 retained).
Molecular consequence: synonymous variant.
Genome position (GRCh38, 1-based): chr1:237,614,594, C>T. VCF-style: chr1-237614594-C-T. GRCh37 (hg19) VCF-style: chr1-237777894-C-T.
Other names: c.5466C>T (NM_001035.2).
Identifiers: ClinVar variation 927144 (VCV000927144.14), dbSNP rs1481865807, ClinGen allele CA424031043.
Genomic context (GRCh38, chr1:237,614,594, plus strand): 5'-CAGTCTTCATGCCCGGGACCCAGTTGGAGGGACTACTGAATTCCTCTTTGTACCTCTCAT[C>T]AAGCTTTTCTATACCCTGCTGATCATGGGCATCTTTCACAACGAGGACTTGAAGCACATC-3'
Protein context (NP_001026.2, residues 1812-1832): GTTEFLFVPL[Ile1822=]KLFYTLLIMG

ClinVar aggregate classification (germline): Likely benign. Review status: criteria provided, multiple submitters, no conflicts (2 of 4 stars). 4 submissions from 4 submitters: Likely benign (4). Last evaluated 2025-11-19.

Conditions:
Cardiovascular phenotype. Identifiers: MedGen CN230736.
Catecholaminergic polymorphic ventricular tachycardia (CVPT). Also called: Catecholamine-induced polymorphic ventricular tachycardia. Identifiers: Orphanet 3286, MedGen C5574922, MONDO:0017990.
Cardiomyopathy (CMYO). Also called: Cardiomyopathies. Identifiers: Orphanet 167848, MedGen C0878544, MONDO:0004994, HP:0001638. Inheritance: Various modes of inheritance.
Catecholaminergic polymorphic ventricular tachycardia 1. Also called: VENTRICULAR TACHYCARDIA, CATECHOLAMINERGIC POLYMORPHIC, 1, WITH OR WITHOUT ATRIAL DYSFUNCTION AND/OR DILATED CARDIOMYOPATHY; VENTRICULAR TACHYCARDIA, STRESS-INDUCED POLYMORPHIC 1; RYR2-Related Catecholaminergic Polymorphic Ventricular Tachycardia. Identifiers: Orphanet 3286, MedGen C1631597, MONDO:0011484, OMIM 604772.

Allele frequency attached by ClinVar (database versions not stated): gnomAD exomes below 0.00001 and 0.00003; gnomAD 0.00001; TOPMed 0.00001.
gnomAD v4.1: 39 of 1,613,924 alleles (0.0024%); highest among the groups gnomAD compares: Non-Finnish European, 0.0033%; no homozygotes.

Submissions (4):

Labcorp Genetics (formerly Invitae), Labcorp
Classification: Likely benign for Catecholaminergic polymorphic ventricular tachycardia 1. Last evaluated: 2025-11-19. Review status: criteria provided, single submitter. Criteria: Invitae Variant Classification Sherloc (09022015). Collection method: clinical testing. Allele origin: germline.

All of Us Research Program, National Institutes of Health
Classification: Likely benign for Catecholaminergic polymorphic ventricular tachycardia. Last evaluated: 2023-11-28. Review status: criteria provided, single submitter. Criteria: ACMG Guidelines, 2015. Collection method: clinical testing. Allele origin: germline. Inheritance: Autosomal dominant inheritance. Observed: 2 variant alleles, 2 heterozygotes.
Comment: This study involves interpretation of variants in research participants for the purpose of population health screening. Participant phenotype was not available at the time of variant classification. Additional details can be found in publication PMID: 35346344, PMCID: PMC8962531

Ambry Genetics
Classification: Likely benign for Cardiovascular phenotype. Last evaluated: 2022-03-23. Review status: criteria provided, single submitter. Criteria: Ambry Variant Classification Scheme 2023. Collection method: clinical testing. Allele origin: germline.

Color Diagnostics, LLC DBA Color Health
Classification: Likely benign for Cardiomyopathy. Last evaluated: 2019-06-03. Review status: criteria provided, single submitter. Criteria: ACMG Guidelines, 2015. Collection method: clinical testing. Allele origin: germline.